The following is an entry in ClinVar:

NM_017780.4(CHD7):c.4561A>G (p.Thr1521Ala)

Gene: CHD7 (chromodomain helicase DNA binding protein 7; plus strand). Cytogenetic location: 8q12.2.
Variant type: single nucleotide variant.
Coding change: c.4561A>G on transcript NM_017780.4 (MANE Select); coding-DNA position 4561, A replaced by G.
Protein change: p.Thr1521Ala; replaces threonine 1521 with alanine.
Molecular consequence: missense variant. On other transcripts: intron variant (1).
Genome position (GRCh38, 1-based): chr8:60,841,671, A>G. VCF-style: chr8-60841671-A-G. GRCh37 (hg19) VCF-style: chr8-61754230-A-G.
Other names: c.1717-20558A>G (NM_001316690.1); short protein forms T1521A.
Identifiers: ClinVar variation 1306456 (VCV001306456.3), dbSNP rs1804981976, ClinGen allele CA371318556.

ClinVar aggregate classification (germline): Uncertain significance (1 of 4 stars; one submission).

Allele frequency attached by ClinVar (database versions not stated): TOPMed 0.00002.

Submission:

GeneDx
Classification: Uncertain significance. Last evaluated: 2022-01-27. Review status: criteria provided, single submitter. Criteria: GeneDx Variant Classification Process June 2021. Collection method: clinical testing. Allele origin: germline. Affected: yes.
Comment: Not observed in large population cohorts (gnomAD); In silico analysis, which includes protein predictors and evolutionary conservation, supports a deleterious effect; Has not been previously published as pathogenic or benign to our knowledge